The following is an entry in ClinVar:

ClinVar aggregate classification (germline): Conflicting classifications of pathogenicity. Review status: criteria provided, conflicting classifications (1 of 4 stars). 2 submissions from 2 submitters: Likely pathogenic (1); Uncertain significance (1). Last evaluated 2024-04-26.

Conditions:
Wagner disease. Also called: WAGNER SYNDROME 1; HYALOIDEORETINAL DEGENERATION OF WAGNER; WAGNER VITREORETINAL DEGENERATION; Wagner syndrome; Wagner Vitreoretinal Degeneration (Wagner Synrdome); WAGNER VITREORETINOPATHY. Identifiers: Orphanet 898, MedGen C1840452, MONDO:0007740, OMIM 143200.

gnomAD v4.1: 1 of 1,614,196 alleles (0.000062%); highest among the groups gnomAD compares: Non-Finnish European, 0.000085%; no homozygotes.

Submissions (2):

Blueprint Genetics
Classification: Uncertain significance. Last evaluated: 2024-04-26. Review status: criteria provided, single submitter. Criteria: ACMG Guidelines, 2015. Collection method: clinical testing. Allele origin: germline.

3billion
Classification: Likely pathogenic for Wagner disease. Last evaluated: 2023-09-04. Review status: criteria provided, single submitter. Criteria: ACMG Guidelines, 2015. Collection method: clinical testing. Allele origin: germline. Affected: yes.
Comment: The variant is not observed in the gnomAD v2.1.1 dataset. Predicted Consequence/Location: Stop-gained (nonsense): predicted to result in a loss or disruption of normal protein function through nonsense-mediated decay (NMD) or protein truncation. Multiple pathogenic variants are reported downstream of the variant. Therefore, this variant is classified as Likely pathogenic according to the recommendation of ACMG/AMP guideline.

NM_004385.5(VCAN):c.3455C>A (p.Ser1152Ter)

Gene: VCAN (versican; plus strand). Cytogenetic location: 5q14.3.
Variant type: single nucleotide variant.
Coding change: c.3455C>A on transcript NM_004385.5 (MANE Select); coding-DNA position 3455, C replaced by A.
Protein change: p.Ser1152Ter; replaces serine 1152 with a stop codon.
Molecular consequence: nonsense. On other transcripts: intron variant (2).
Genome position (GRCh38, 1-based): chr5:83,521,761, C>A. VCF-style: chr5-83521761-C-A. GRCh37 (hg19) VCF-style: chr5-82817580-C-A.
Other names: c.3455C>A, p.Ser1152Ter (NM_001164098.2); c.1042+9365C>A (NM_001164097.2, NM_001126336.3); short protein forms S1152*.
Identifiers: ClinVar variation 3775172 (VCV003775172.2).